The following is an entry in ClinVar:

NM_172107.4(KCNQ2):c.89_99del (p.Gly30fs)

Gene: KCNQ2 (potassium voltage-gated channel subfamily Q member 2; minus strand). Cytogenetic location: 20q13.33.
Variant type: Deletion.
Coding change: c.89_99del on transcript NM_172107.4 (MANE Select); coding-DNA positions 89 to 99, 11 bases deleted (GCGCGCCCGAC).
Protein change: p.Gly30fs; shifts the reading frame from glycine 30.
Molecular consequence: frameshift variant.
Genome position (GRCh38, 1-based): chr20:63,472,365-63,472,375, GTCGGGCGCGC deleted on the plus strand (GCGCGCCCGAC on the coding strand, the reverse complement: KCNQ2 is on the minus strand). VCF-style (leftmost placement, unchanged base first): chr20-63472364-AGTCGGGCGCGC-A. GRCh37 (hg19) VCF-style: chr20-62103717-AGTCGGGCGCGC-A.
Other names: c.89_99del, p.Gly30fs (NM_001382235.1, NM_004518.6, NM_172106.3 and 2 more transcripts); short protein forms G30fs.
Identifiers: ClinVar variation 2036198 (VCV002036198.4), dbSNP rs2516746009, ClinGen allele CA2580098419.
Genomic context (GRCh38, chr20:63,472,364, plus strand): 5'-GGATGCTGCCGCGCTTGGGGGCCTCGGAGCCGGCGATCAGCAGCGCCCCGTCCCGGGTGG[AGTCGGGCGCGC>A]CGGGGTCCAGCCCCACGAAGCCCACCTTCAGCTTCTTCTCCCCGCTCGGGCCGGGGTATA-3'

ClinVar aggregate classification (germline): Pathogenic (1 of 4 stars; one submission).

Conditions:
Early-infantile DEE. Also called: Ohtahara syndrome; Early infantile epileptic encephalopathy with suppression bursts; Early infantile epileptic encephalopathy. Identifiers: Orphanet 1934, MedGen C0393706, MONDO:0800491.

Submission:

Labcorp Genetics (formerly Invitae), Labcorp
Classification: Pathogenic for Early-infantile DEE. Last evaluated: 2022-10-19. Review status: criteria provided, single submitter. Criteria: Invitae Variant Classification Sherloc (09022015). Collection method: clinical testing. Allele origin: germline.
Comment: This sequence change creates a premature translational stop signal (p.Gly30Valfs*86) in the KCNQ2 gene. It is expected to result in an absent or disrupted protein product. Loss-of-function variants in KCNQ2 are known to be pathogenic (PMID: 14534157, 23692823, 27779742). This variant is not present in population databases (gnomAD no frequency). This variant has not been reported in the literature in individuals affected with KCNQ2-related conditions. For these reasons, this variant has been classified as Pathogenic.

Literature cited by the submitters: PubMed 14534157; PubMed 23692823; PubMed 27779742.